The following is an entry in ClinVar:

NM_001371596.2(MFSD8):c.1124del (p.Pro375fs)

Gene: MFSD8 (major facilitator superfamily domain containing 8; minus strand). Cytogenetic location: 4q28.2.
Variant type: Deletion.
Coding change: c.1124del on transcript NM_001371596.2 (MANE Select); coding-DNA position 1124, one base deleted (C; older notation c.1124delC).
Protein change: p.Pro375fs; shifts the reading frame from proline 375.
Molecular consequence: frameshift variant.
Genome position (GRCh38, 1-based): chr4:127,921,750, G deleted on the plus strand (C on the coding strand, the reverse complement: MFSD8 is on the minus strand); the first of 3 consecutive G bases (chr4:127,921,750-127,921,752); deleting any one gives the same sequence. VCF-style (leftmost placement, unchanged base first): chr4-127921749-AG-A. GRCh37 (hg19) VCF-style: chr4-128842904-AG-A.
Other names: c.921delC, p.Pro308Leufs (NM_001363520.3); c.807delC, p.Pro270Leufs (NM_001363521.3); c.987delC, p.Pro330Leufs (NM_001371590.2); c.1122delC, p.Pro375Leufs (NM_001371591.2); c.1128delC, p.Pro377Leufs (NM_001371592.2); c.1008delC, p.Pro337Leufs (NM_001371593.2); c.975delC, p.Pro326Leufs (NM_001371594.2); c.842del, p.Pro281fs (NM_001371595.1); and 3 more; short protein forms P330fs, P337fs, P270fs, P326fs, P375fs, P281fs, P308fs, P377fs.
Identifiers: ClinVar variation 802088 (VCV000802088.8), dbSNP rs1578794927, ClinGen allele CA915943187.

ClinVar aggregate classification (germline): Pathogenic/Likely pathogenic. Review status: criteria provided, multiple submitters, no conflicts (2 of 4 stars). 3 submissions from 3 submitters: Pathogenic (2); Likely pathogenic (1). Last evaluated 2022-04-25.

Conditions:
Neuronal ceroid lipofuscinosis 7 (CLN7). Also called: MFSD8-Related Neuronal Ceroid-Lipofuscinosis. Identifiers: Orphanet 168491, Orphanet 228366, MedGen C1838571, MONDO:0012588, OMIM 610951.
Macular dystrophy with central cone involvement (CCMD). Identifiers: MedGen C4015371, MONDO:0014515, OMIM 616170.

Submissions (3):

Labcorp Genetics (formerly Invitae), Labcorp
Classification: Pathogenic for Neuronal ceroid lipofuscinosis 7. Last evaluated: 2022-04-25. Review status: criteria provided, single submitter. Criteria: Invitae Variant Classification Sherloc (09022015). Collection method: clinical testing. Allele origin: germline.
Comment: This sequence change creates a premature translational stop signal (p.Pro375Leufs*39) in the MFSD8 gene. It is expected to result in an absent or disrupted protein product. Loss-of-function variants in MFSD8 are known to be pathogenic (PMID: 19177532, 25227500, 28586915). This variant is not present in population databases (gnomAD no frequency). This variant has not been reported in the literature in individuals affected with MFSD8-related conditions. ClinVar contains an entry for this variant (Variation ID: 802088). For these reasons, this variant has been classified as Pathogenic.

Fulgent Genetics
Classification: Likely pathogenic for Neuronal ceroid lipofuscinosis 7; Macular dystrophy with central cone involvement. Last evaluated: 2021-10-16. Review status: criteria provided, single submitter. Criteria: ACMG Guidelines, 2015. Collection method: clinical testing. Allele origin: unknown.

Mendelics
Classification: Pathogenic for Neuronal ceroid lipofuscinosis 7. Last evaluated: 2019-05-28. Review status: criteria provided, single submitter. Criteria: Mendelics Assertion Criteria 2017. Collection method: clinical testing. Allele origin: unknown.

Literature cited by the submitters: PubMed 19177532 (cited by Labcorp Genetics (formerly Invitae), Labcorp); PubMed 25227500 (cited by Labcorp Genetics (formerly Invitae), Labcorp); PubMed 28586915 (cited by Labcorp Genetics (formerly Invitae), Labcorp).